The following is an entry in ClinVar:

ClinVar aggregate classification (germline): Uncertain significance (1 of 4 stars; one submission).

gnomAD v4.1: 3 of 1,614,106 alleles (0.00019%); highest among the groups gnomAD compares: East Asian, 0.0045%; no homozygotes.

Submission:

Labcorp Genetics (formerly Invitae), Labcorp
Classification: Uncertain significance. Last evaluated: 2024-12-17. Review status: criteria provided, single submitter. Criteria: Invitae Variant Classification Sherloc (09022015). Collection method: clinical testing. Allele origin: germline.
Comment: This sequence change replaces serine, which is neutral and polar, with arginine, which is basic and polar, at codon 70 of the CACNA1D protein (p.Ser70Arg). This variant is present in population databases (rs764773584, gnomAD 0.01%). This variant has not been reported in the literature in individuals affected with CACNA1D-related conditions. An algorithm developed to predict the effect of missense changes on protein structure and function (PolyPhen-2) suggests that this variant is likely to be tolerated. In summary, the available evidence is currently insufficient to determine the role of this variant in disease. Therefore, it has been classified as a Variant of Uncertain Significance.

NM_001128840.3(CACNA1D):c.210C>G (p.Ser70Arg)

Gene: CACNA1D (calcium voltage-gated channel subunit alpha1 D; plus strand). Cytogenetic location: 3p21.1.
Variant type: single nucleotide variant.
Coding change: c.210C>G on transcript NM_001128840.3 (MANE Select); coding-DNA position 210, C replaced by G.
Protein change: p.Ser70Arg; replaces serine 70 with arginine.
Molecular consequence: missense variant.
Genome position (GRCh38, 1-based): chr3:53,497,294, C>G. VCF-style: chr3-53497294-C-G. GRCh37 (hg19) VCF-style: chr3-53531321-C-G.
Other names: c.210C>G, p.Ser70Arg (NM_000720.4, NM_001128839.3); short protein forms S70R.
Identifiers: ClinVar variation 3727141 (VCV003727141.2).
Genomic context (GRCh38, chr3:53,497,294, plus strand): 5'-CCTGTCTTGGCAAGCTGCAATCGATGCTGCTAGACAGGCCAAGGCTGCCCAAACTATGAG[C>G]ACCTCTGCACCCCCACCTGTAGGATCTCTCTCCCAAAGAAAACGTCAGCAATACGCCAAG-3'
Protein context (NP_001122312.1, residues 60-80): ARQAKAAQTM[Ser70Arg]TSAPPPVGSL